The following is an entry in ClinVar:

NM_000440.3(PDE6A):c.857A>G (p.Lys286Arg)

Gene: PDE6A (phosphodiesterase 6A; minus strand). Cytogenetic location: 5q32.
Variant type: single nucleotide variant.
Coding change: c.857A>G on transcript NM_000440.3 (MANE Select); coding-DNA position 857, A replaced by G.
Protein change: p.Lys286Arg; replaces lysine 286 with arginine.
Molecular consequence: missense variant.
Genome position (GRCh38, 1-based): chr5:149,931,029, T>C on the plus strand (A>G on the coding strand, the complement: PDE6A is on the minus strand). VCF-style: chr5-149931029-T-C. GRCh37 (hg19) VCF-style: chr5-149310592-T-C.
Other names: short protein forms K286R.
Identifiers: ClinVar variation 864727 (VCV000864727.7), dbSNP rs1754018696, ClinGen allele CA361696376.

ClinVar aggregate classification (germline): Uncertain significance (1 of 4 stars; one submission).

Allele frequency attached by ClinVar (database versions not stated): gnomAD 0.00002; TOPMed 0.00005.
gnomAD v4.1: 4 of 1,613,940 alleles (0.00025%); highest among the groups gnomAD compares: Admixed American, 0.005%; no homozygotes.

Submission:

Labcorp Genetics (formerly Invitae), Labcorp
Classification: Uncertain significance. Last evaluated: 2024-02-17. Review status: criteria provided, single submitter. Criteria: Invitae Variant Classification Sherloc (09022015). Collection method: clinical testing. Allele origin: germline.
Comment: This sequence change replaces lysine, which is basic and polar, with arginine, which is basic and polar, at codon 286 of the PDE6A protein (p.Lys286Arg). This variant is not present in population databases (gnomAD no frequency). This variant has not been reported in the literature in individuals affected with PDE6A-related conditions. ClinVar contains an entry for this variant (Variation ID: 864727). An algorithm developed to predict the effect of missense changes on protein structure and function (PolyPhen-2) suggests that this variant is likely to be disruptive. Algorithms developed to predict the effect of sequence changes on RNA splicing suggest that this variant may disrupt the consensus splice site. In summary, the available evidence is currently insufficient to determine the role of this variant in disease. Therefore, it has been classified as a Variant of Uncertain Significance.